The following is an entry in ClinVar:

ClinVar aggregate classification (germline): Uncertain significance (1 of 4 stars; one submission).

Submission:

GeneDx
Classification: Uncertain significance. Last evaluated: 2023-03-28. Review status: criteria provided, single submitter. Criteria: GeneDx Variant Classification Process June 2021. Collection method: clinical testing. Allele origin: germline. Affected: yes.
Comment: Not observed at significant frequency in large population cohorts (gnomAD); In silico analysis supports a deleterious effect on splicing; Has not been previously published as pathogenic or benign to our knowledge; Variants in candidate genes are classified as variants of uncertain significance in accordance with ACMG guidelines (Richards et al., 2015)

NM_152753.4(SCUBE3):c.712+5G>C

Gene: SCUBE3 (signal peptide, CUB domain and EGF like domain containing 3; plus strand). Cytogenetic location: 6p21.31.
Variant type: single nucleotide variant.
Coding change: c.712+5G>C on transcript NM_152753.4 (MANE Select); 5 bases into the intron after coding-DNA position 712, G replaced by C.
Molecular consequence: intron variant.
Genome position (GRCh38, 1-based): chr6:35,233,306, G>C. VCF-style: chr6-35233306-G-C. GRCh37 (hg19) VCF-style: chr6-35201083-G-C.
Other names: c.709+5G>C (NM_001303136.2).
Identifiers: ClinVar variation 3342909 (VCV003342909.1).
Genomic context (GRCh38, chr6:35,233,306, plus strand): 5'-CCGGTGCGGCTGCCATATCAAGTTTGTGCTCCATACCGACGGGAAGACATGCATCGGTGG[G>C]TGAGGCCAGGGGAGAACTCAGTCCACCTGAGATGGGGTGGGGGTGGGACCCTTTGGGAAC-3'